The following is an entry in ClinVar:

NM_001012339.3(DNAJC21):c.458C>A (p.Ala153Asp)

Gene: DNAJC21 (DnaJ heat shock protein family (Hsp40) member C21; plus strand). Cytogenetic location: 5p13.2.
Variant type: single nucleotide variant.
Coding change: c.458C>A on transcript NM_001012339.3 (MANE Select); coding-DNA position 458, C replaced by A.
Protein change: p.Ala153Asp; replaces alanine 153 with aspartic acid.
Molecular consequence: missense variant.
Genome position (GRCh38, 1-based): chr5:34,937,345, C>A. VCF-style: chr5-34937345-C-A. GRCh37 (hg19) VCF-style: chr5-34937450-C-A.
Other names: c.458C>A, p.Ala153Asp (NM_001348420.2, NM_194283.4); short protein forms A153D.
Identifiers: ClinVar variation 1470400 (VCV001470400.8), dbSNP rs1346205228, ClinGen allele CA359414216.

ClinVar aggregate classification (germline): Uncertain significance (1 of 4 stars; one submission).

Allele frequency attached by ClinVar (database versions not stated): gnomAD exomes below 0.00001.
gnomAD v4.1: 1 of 1,612,594 alleles (0.000062%); highest among the groups gnomAD compares: South Asian, 0.0011%; no homozygotes.

Submission:

Labcorp Genetics (formerly Invitae), Labcorp
Classification: Uncertain significance. Last evaluated: 2021-06-22. Review status: criteria provided, single submitter. Criteria: Invitae Variant Classification Sherloc (09022015). Collection method: clinical testing. Allele origin: germline.
Comment: In summary, the available evidence is currently insufficient to determine the role of this variant in disease. Therefore, it has been classified as a Variant of Uncertain Significance. Algorithms developed to predict the effect of missense changes on protein structure and function are either unavailable or do not agree on the potential impact of this missense change (SIFT: "Deleterious"; PolyPhen-2: "Probably Damaging"; Align-GVGD: "Class C0"). This variant has not been reported in the literature in individuals with DNAJC21-related conditions. This variant is not present in population databases (ExAC no frequency). This sequence change replaces alanine with aspartic acid at codon 153 of the DNAJC21 protein (p.Ala153Asp). The alanine residue is moderately conserved and there is a moderate physicochemical difference between alanine and aspartic acid.